The following is an entry in ClinVar:

NM_003106.4(SOX2):c.70_86del (p.Asn24fs)

Genes: SOX2 (SRY-box transcription factor 2; plus strand), SOX2-OT (SOX2 overlapping transcript; plus strand), LOC108281177 (SOX2 5' regulatory region; plus strand). Cytogenetic location: 3q26.33.
Variant type: Deletion.
Coding change: c.70_86del on transcript NM_003106.4 (MANE Select); coding-DNA positions 70 to 86, 17 bases deleted (AACTCCACCGCGGCGGC).
Protein change: p.Asn24fs; shifts the reading frame from asparagine 24.
Molecular consequence: frameshift variant.
Genome position (GRCh38, 1-based): chr3:181,712,430-181,712,446, AACTCCACCGCGGCGGC deleted; deleting any 17 consecutive bases within chr3:181,712,422-181,712,446 gives the same sequence; the c. name uses the placement nearest the transcript's 3' end. VCF-style (leftmost placement, unchanged base first): chr3-181712421-GGCGGCGGCAACTCCACC-G. GRCh37 (hg19) VCF-style: chr3-181430209-GGCGGCGGCAACTCCACC-G.
Other names: c.70_86del (NM_003106.3); c.70_86del17 (NM_003106.3); short protein forms N24fs.
Identifiers: ClinVar variation 521127 (VCV000521127.11), dbSNP rs1553862927, ClinGen allele CA658796398.

ClinVar aggregate classification (germline): Pathogenic. Review status: criteria provided, multiple submitters, no conflicts (2 of 4 stars). 5 submissions from 5 submitters: Pathogenic (4). 1 of the submissions does not count toward it. Last evaluated 2025-02-14.

Conditions:
Anophthalmia/microphthalmia-esophageal atresia syndrome (MCOPS3). Also called: MICROPHTHALMIA AND ESOPHAGEAL ATRESIA SYNDROME; AEG SYNDROME; SOX2 Disorder. Identifiers: Orphanet 77298, MedGen C1859773, MONDO:0008799, OMIM 206900.
Inborn genetic diseases. Identifiers: MedGen C0950123, MeSH D030342.

Submissions (5):

Dasa
Classification: Pathogenic. Last evaluated: 2025-02-14. Review status: criteria provided, single submitter. Criteria: DASA Assertion Criteria. Collection method: clinical testing. Allele origin: germline.
Comment: NM_003106.4(SOX2):c.70_86del (p.Asn24Glyfs*66) is a frameshift variant in SOX2 predicted to alter the reading frame and introduce a premature termination codon and is predicted to result in an absent or altered protein product. Loss of function is an established disease mechanism for SOX2 (PMID: 17522144; PMID: 16543359; PMID: 12612584). This variant has been reported in individuals with SOX2-related disorders (PMID: 17219395). Also, this variant is absent from population databases. Based on the currently available evidence, this variant is classified as pathogenic.

Labcorp Genetics (formerly Invitae), Labcorp
Classification: Pathogenic for Anophthalmia/microphthalmia-esophageal atresia syndrome. Last evaluated: 2024-12-25. Review status: criteria provided, single submitter. Criteria: Invitae Variant Classification Sherloc (09022015). Collection method: clinical testing. Allele origin: germline.
Comment: This sequence change creates a premature translational stop signal (p.Asn24Glyfs*66) in the SOX2 gene. While this is not anticipated to result in nonsense mediated decay, it is expected to disrupt the last 294 amino acid(s) of the SOX2 protein. This variant is not present in population databases (gnomAD no frequency). This premature translational stop signal has been observed in individual(s) with bilateral anophthalmia and/or clinical features of SOX2-related conditions (PMID: 17219395, 24804704, 30629328). In at least one individual the variant was observed to be de novo. ClinVar contains an entry for this variant (Variation ID: 521127). For these reasons, this variant has been classified as Pathogenic.

GeneDx
Classification: Pathogenic. Last evaluated: 2023-11-08. Review status: criteria provided, single submitter. Criteria: GeneDx Variant Classification Process June 2021. Collection method: clinical testing. Allele origin: germline. Affected: yes.
Comment: Published functional studies demonstrate that the variant weakened transactivation activity levels, similar to empty vector levels (PMID: 24804704); Frameshift variant predicted to result in abnormal protein length as the last 294 amino acids are replaced with 66 different amino acids, and other similar variants have been reported in HGMD; Not observed at significant frequency in large population cohorts (gnomAD); This variant is associated with the following publications: (PMID: 12002146, 24033328, 22171155, 18831064, 37885978, 24804704, 30629328, 34562068, 17219395)

Ambry Genetics
Classification: Pathogenic for Inborn genetic diseases. Last evaluated: 2016-06-14. Review status: criteria provided, single submitter. Criteria: Ambry exome assertion method (8-5-2015). Collection method: clinical testing. Allele origin: germline. Affected: yes. Observed: 1 variant allele.

OMIM
Classification: Pathogenic for MICROPHTHALMIA, SYNDROMIC 3. Last evaluated: 2007-02-01. Review status: no assertion criteria provided. Collection method: literature only. Allele origin: germline. Not counted in ClinVar's aggregate classification.

Literature cited by the submitters: PubMed 17219395 (cited by 4 submitters); PubMed 24804704 (cited by 3 submitters); PubMed 17522144 (cited by Dasa); PubMed 16543359 (cited by Dasa); PubMed 12612584 (cited by Dasa); PubMed 30629328 (cited by Labcorp Genetics (formerly Invitae), Labcorp); PubMed 12002146 (cited by OMIM).